The following is an entry in ClinVar:

ClinVar aggregate classification (germline): Benign/Likely benign. Review status: criteria provided, multiple submitters, no conflicts (2 of 4 stars). 3 submissions from 3 submitters: Benign (2); Likely benign (1). Last evaluated 2026-09-01.

Conditions:
Cataract 6 multiple types. Also called: CATARACT 6, POSTERIOR POLAR; CATARACT 6, CONGENITAL TOTAL; CATARACT, AGE-RELATED CORTICAL, 2. Identifiers: Orphanet 91492, MedGen C1861825, MONDO:0007288, OMIM 116600.

Allele frequency attached by ClinVar (database versions not stated): ESP Exome Variant Server 0.00008; gnomAD exomes 0.00014 and 0.00042; ExAC 0.00016; gnomAD 0.00082 and 0.00083; TOPMed 0.00090; 1000 Genomes Project 0.00100; 1000 Genomes Project 30x 0.00109.
gnomAD v4.1: 324 of 1,613,906 alleles (0.02%); highest among the groups gnomAD compares: Admixed American, 0.47%; 4 homozygotes.

Submissions (3):

CeGaT Center for Human Genetics Tuebingen
Classification: Likely benign. Last evaluated: 2026-09-01. Review status: criteria provided, single submitter. Criteria: CeGaT Center For Human Genetics Tuebingen Variant Classification Criteria Version 2. Collection method: clinical testing. Allele origin: germline. Affected: yes. Observed: 2 variant alleles.
Comment: EPHA2: BP4, BP7

Illumina Laboratory Services, Illumina
Classification: Benign for Cataract 6 multiple types. Last evaluated: 2018-01-13. Review status: criteria provided, single submitter. Criteria: ICSL Variant Classification Criteria 13 December 2019. Collection method: clinical testing. Allele origin: germline.
Comment: This variant was observed in the ICSL laboratory as part of a predisposition screen in an ostensibly healthy population. It had not been previously curated by ICSL or reported in the Human Gene Mutation Database (HGMD: prior to June 1st, 2018), and was therefore a candidate for classification through an automated scoring system. Utilizing variant allele frequency, disease prevalence and penetrance estimates, and inheritance mode, an automated score was calculated to assess if this variant is too frequent to cause the disease. Based on the score and internal cut-off values, a variant classified as benign is not then subjected to further curation. The score for this variant resulted in a classification of benign for this disease.

Labcorp Genetics (formerly Invitae), Labcorp
Classification: Benign for Cataract 6 multiple types. Last evaluated: 2017-08-11. Review status: criteria provided, single submitter. Criteria: Invitae Variant Classification Sherloc (09022015). Collection method: clinical testing. Allele origin: germline.

NM_004431.5(EPHA2):c.1407C>T (p.Tyr469=)

Gene: EPHA2 (EPH receptor A2; minus strand). Cytogenetic location: 1p36.13.
Variant type: single nucleotide variant.
Coding change: c.1407C>T on transcript NM_004431.5 (MANE Select); coding-DNA position 1407, C replaced by T.
Protein change: p.Tyr469=; no amino-acid change (tyrosine 469 retained).
Molecular consequence: synonymous variant.
Genome position (GRCh38, 1-based): chr1:16,135,676, G>A on the plus strand (C>T on the coding strand, the complement: EPHA2 is on the minus strand). VCF-style: chr1-16135676-G-A. GRCh37 (hg19) VCF-style: chr1-16462171-G-A.
Other names: c.1245C>T, p.Tyr415= (NM_001329090.2).
Identifiers: ClinVar variation 536127 (VCV000536127.36), dbSNP rs201532782, ClinGen allele CA625207.